The following is an entry in ClinVar:

NM_000222.3(KIT):c.1100A>G (p.Asn367Ser)

Gene: KIT (KIT proto-oncogene, receptor tyrosine kinase; plus strand). Cytogenetic location: 4q12.
Variant type: single nucleotide variant.
Coding change: c.1100A>G on transcript NM_000222.3 (MANE Select); coding-DNA position 1100, A replaced by G.
Protein change: p.Asn367Ser; replaces asparagine 367 with serine.
Molecular consequence: missense variant.
Genome position (GRCh38, 1-based): chr4:54,707,272, A>G. VCF-style: chr4-54707272-A-G. GRCh37 (hg19) VCF-style: chr4-55573438-A-G.
Other names: c.1100A>G, p.Asn367Ser (NM_001093772.2, NM_001385285.1, NM_001385286.1); c.1103A>G, p.Asn368Ser (NM_001385284.1, NM_001385288.1, NM_001385290.1 and 1 more transcripts); short protein forms N368S, N367S.
Identifiers: ClinVar variation 4043753 (VCV004043753.1).

ClinVar aggregate classification (germline): Uncertain significance (1 of 4 stars; one submission).

Conditions:
Hereditary cancer-predisposing syndrome. Also called: Neoplastic Syndromes, Hereditary; Tumor predisposition; Hereditary neoplastic syndrome; Hereditary Cancer Syndrome. Identifiers: Orphanet 140162, MedGen C0027672, MeSH D009386, MONDO:0015356.

gnomAD v4.1: 1 of 1,609,860 alleles (0.000062%); highest among the groups gnomAD compares: Non-Finnish European, 0.000085%; no homozygotes.

Submission:

Ambry Genetics
Classification: Uncertain significance for Hereditary cancer-predisposing syndrome. Last evaluated: 2025-04-06. Review status: criteria provided, single submitter. Criteria: Ambry Variant Classification Scheme 2023. Collection method: clinical testing. Allele origin: germline.
Comment: The p.N367S variant (also known as c.1100A>G), located in coding exon 6 of the KIT gene, results from an A to G substitution at nucleotide position 1100. The asparagine at codon 367 is replaced by serine, an amino acid with highly similar properties. This amino acid position is conserved. In addition, this alteration is predicted to be tolerated by in silico analysis. Based on the available evidence, the clinical significance of this variant remains unclear.